The following is an entry in ClinVar:

NM_000787.4(DBH):c.209A>G (p.Glu70Gly)

Gene: DBH (dopamine beta-hydroxylase; plus strand). Cytogenetic location: 9q34.2.
Variant type: single nucleotide variant.
Coding change: c.209A>G on transcript NM_000787.4 (MANE Select); coding-DNA position 209, A replaced by G.
Protein change: p.Glu70Gly; replaces glutamic acid 70 with glycine.
Molecular consequence: missense variant.
Genome position (GRCh38, 1-based): chr9:133,636,580, A>G. VCF-style: chr9-133636580-A-G. GRCh37 (hg19) VCF-style: chr9-136501702-A-G.
Other names: c.209A>G (NM_000787.3); short protein forms E70G.
Identifiers: ClinVar variation 1078599 (VCV001078599.10), dbSNP rs79634194, ClinGen allele CA5312974.

ClinVar aggregate classification (germline): Likely benign. Review status: criteria provided, multiple submitters, no conflicts (2 of 4 stars). 2 submissions from 2 submitters: Likely benign (2). Last evaluated 2026-06-23.

Conditions:
Orthostatic hypotension 1 (ORTHYP1). Also called: NORADRENALINE DEFICIENCY; NOREPINEPHRINE DEFICIENCY; Dopamine beta-hydroxylase deficiency; Orthostatic hypotension 1, due to DBH deficiency. Identifiers: Orphanet 230, MedGen C4746777, MONDO:0009123, OMIM 223360.
DBH-related disorder. Also called: DBH-related condition.

Allele frequency attached by ClinVar (database versions not stated): gnomAD 0.00002 and 0.00003; gnomAD exomes 0.00005 and 0.00027; TOPMed 0.00008; 1000 Genomes Project 30x 0.00016; 1000 Genomes Project 0.00020; ExAC 0.00026.
gnomAD v4.1: 79 of 1,613,754 alleles (0.0049%); highest among the groups gnomAD compares: Admixed American, 0.13%; 1 homozygote.

Submissions (2):

PreventionGenetics, part of Exact Sciences
Classification: Likely benign for DBH-related condition. Last evaluated: 2026-06-23. Review status: criteria provided, single submitter. Criteria: ACMG Guidelines, 2015. Collection method: clinical testing. Allele origin: germline.
Comment: This variant is classified as likely benign based on ACMG/AMP sequence variant interpretation guidelines (Richards et al. 2015 PMID: 25741868, with internal and published modifications).

Labcorp Genetics (formerly Invitae), Labcorp
Classification: Likely benign for Orthostatic hypotension 1. Last evaluated: 2025-12-19. Review status: criteria provided, single submitter. Criteria: Invitae Variant Classification Sherloc (09022015). Collection method: clinical testing. Allele origin: germline.